The following is an entry in ClinVar:

NM_000384.3(APOB):c.8801C>T (p.Pro2934Leu)

Gene: APOB (apolipoprotein B; minus strand). Cytogenetic location: 2p24.1.
Variant type: single nucleotide variant.
Coding change: c.8801C>T on transcript NM_000384.3 (MANE Select); coding-DNA position 8801, C replaced by T.
Protein change: p.Pro2934Leu; replaces proline 2934 with leucine.
Molecular consequence: missense variant.
Genome position (GRCh38, 1-based): chr2:21,008,067, G>A on the plus strand (C>T on the coding strand, the complement: APOB is on the minus strand). VCF-style: chr2-21008067-G-A. GRCh37 (hg19) VCF-style: chr2-21230939-G-A.
Other names: short protein forms P2934L.
Identifiers: ClinVar variation 3307771 (VCV003307771.2).
Genomic context (GRCh38, chr2:21,008,067, plus strand): 5'-AGGGGTCCTTCTATGGTGAAACTAATTTGTGATTCATGTGTTCCCTCATCTGAGAATCTG[G>A]GGCAGGCCCATTTCCATGACCCTTTTCCAGAAGAAGTCCATGCTATGTGGCCAGCTTTCA-3'
Protein context (NP_000375.3, residues 2924-2944): SGKGSWKWAC[Pro2934Leu]RFSDEGTHES

ClinVar aggregate classification (germline): Uncertain significance. Review status: criteria provided, multiple submitters, no conflicts (2 of 4 stars). 2 submissions from 2 submitters: Uncertain significance (2). Last evaluated 2025-07-30.

Conditions:
Cardiovascular phenotype. Identifiers: MedGen CN230736.

gnomAD v4.1: 2 of 1,614,002 alleles (0.00012%); highest among the groups gnomAD compares: Non-Finnish European, 0.00017%; no homozygotes.

Submissions (2):

GeneDx
Classification: Uncertain significance. Last evaluated: 2025-07-30. Review status: criteria provided, single submitter. Criteria: GeneDx Variant Classification Process June 2021. Collection method: clinical testing. Allele origin: germline. Affected: yes.
Comment: Not observed at significant frequency in large population cohorts (gnomAD); In silico analysis supports that this missense variant has a deleterious effect on protein structure/function; Has not been previously published as pathogenic or benign to our knowledge; Also known as p.(P2907L)

Ambry Genetics
Classification: Uncertain significance for Cardiovascular phenotype. Last evaluated: 2024-04-21. Review status: criteria provided, single submitter. Criteria: Ambry Variant Classification Scheme 2023. Collection method: clinical testing. Allele origin: germline.
Comment: The p.P2934L variant (also known as c.8801C>T), located in coding exon 26 of the APOB gene, results from a C to T substitution at nucleotide position 8801. The proline at codon 2934 is replaced by leucine, an amino acid with similar properties. This amino acid position is conserved. In addition, this alteration is predicted to be tolerated by in silico analysis. Based on the available evidence, the clinical significance of this variant remains unclear.